The following is an entry in ClinVar:

NM_000179.3(MSH6):c.74C>T (p.Ala25Val)

Gene: MSH6 (mutS homolog 6; plus strand). Cytogenetic location: 2p16.3.
Variant type: single nucleotide variant.
Coding change: c.74C>T on transcript NM_000179.3 (MANE Select); coding-DNA position 74, C replaced by T.
Protein change: p.Ala25Val; replaces alanine 25 with valine.
Molecular consequence: missense variant. On other transcripts: 5 prime UTR variant (1).
Genome position (GRCh38, 1-based): chr2:47,783,307, C>T. VCF-style: chr2-47783307-C-T. GRCh37 (hg19) VCF-style: chr2-48010446-C-T.
Other names: p.A25V:GCC>GTC; c.74C>T, p.Ala25Val (NM_001281492.2); c.-663C>T (NM_001281493.2); short protein forms A25V.
Identifiers: ClinVar variation 182675 (VCV000182675.16), dbSNP rs35462442, ClinGen allele CA016416.

ClinVar aggregate classification (germline): Conflicting classifications of pathogenicity. Review status: criteria provided, conflicting classifications (1 of 4 stars). 4 submissions from 4 submitters: Uncertain significance (3); Likely benign (1). Last evaluated 2024-07-19.

Conditions:
Hereditary nonpolyposis colorectal neoplasms. Identifiers: MedGen C0009405, MeSH D003123.
Hereditary cancer-predisposing syndrome. Also called: Tumor predisposition; Hereditary Cancer Syndrome; Hereditary neoplastic syndrome; Neoplastic Syndromes, Hereditary. Identifiers: Orphanet 140162, MedGen C0027672, MeSH D009386, MONDO:0015356.

Allele frequency attached by ClinVar (database versions not stated): gnomAD exomes below 0.00001.
gnomAD v4.1: 3 of 1,611,964 alleles (0.00019%); highest among the groups gnomAD compares: African/African-American, 0.0013%; no homozygotes.

Submissions (4):

Ambry Genetics
Classification: Likely benign for Hereditary cancer-predisposing syndrome. Last evaluated: 2024-07-19. Review status: criteria provided, single submitter. Criteria: Ambry Variant Classification Scheme 2023. Collection method: clinical testing. Allele origin: germline.

Labcorp Genetics (formerly Invitae), Labcorp
Classification: Uncertain significance for Hereditary nonpolyposis colorectal neoplasms. Last evaluated: 2024-05-27. Review status: criteria provided, single submitter. Criteria: Invitae Variant Classification Sherloc (09022015). Collection method: clinical testing. Allele origin: germline.
Comment: This sequence change replaces alanine, which is neutral and non-polar, with valine, which is neutral and non-polar, at codon 25 of the MSH6 protein (p.Ala25Val). This variant is not present in population databases (gnomAD no frequency). This variant has not been reported in the literature in individuals affected with MSH6-related conditions. ClinVar contains an entry for this variant (Variation ID: 182675). Advanced modeling of protein sequence and biophysical properties (such as structural, functional, and spatial information, amino acid conservation, physicochemical variation, residue mobility, and thermodynamic stability) performed at Invitae indicates that this missense variant is not expected to disrupt MSH6 protein function with a negative predictive value of 95%. In summary, the available evidence is currently insufficient to determine the role of this variant in disease. Therefore, it has been classified as a Variant of Uncertain Significance.

Color Diagnostics, LLC DBA Color Health
Classification: Uncertain significance for Hereditary cancer-predisposing syndrome. Last evaluated: 2022-09-20. Review status: criteria provided, single submitter. Criteria: ACMG Guidelines, 2015. Collection method: clinical testing. Allele origin: germline.
Comment: This missense variant replaces alanine with valine at codon 25 of the MSH6 protein. Computational prediction suggests that this variant may not impact protein structure and function (internally defined REVEL score threshold <= 0.5, PMID: 27666373). To our knowledge, functional studies have not been reported for this variant. This variant has been reported in an individual affected with appendiceal goblet cell carcinoid (PMID: 28283864). This variant has not been identified in the general population by the Genome Aggregation Database (gnomAD). The available evidence is insufficient to determine the role of this variant in disease conclusively. Therefore, this variant is classified as a Variant of Uncertain Significance.

GeneDx
Classification: Uncertain significance. Last evaluated: 2018-09-19. Review status: criteria provided, single submitter. Criteria: GeneDx Variant Classification (06012015). Collection method: clinical testing. Allele origin: germline. Affected: yes.
Comment: This variant is denoted MSH6 c.74C>T at the cDNA level, p.Ala25Val (A25V) at the protein level, and results in the change of an Alanine to a Valine (GCC>GTC). This variant has been reported in an individual with a gastrointestinal neuroendocrine tumor (Kidambi 2017). Although this variant has not been specifically evaluated, a non-conservative amino acid substitution at the same residue, Ala25Ser, was shown to be mismatch-repair proficient by in vitro assays (Drost 2012). MSH6 Ala25Val was not observed in large population cohorts (Lek 2016). This variant is not located in a known functional domain. In silico analysis, which includes protein predictors and evolutionary conservation, supports that this variant does not alter protein structure/function. Based on currently available evidence, it is unclear whether MSH6 Ala25Val is a pathogenic or benign variant. We consider it to be a variant of uncertain significance.

Literature cited by the submitters: PubMed 28283864 (cited by Color Diagnostics, LLC DBA Color Health).